The following is an entry in ClinVar:

ClinVar aggregate classification (germline): Uncertain significance. Review status: criteria provided, multiple submitters, no conflicts (2 of 4 stars). 7 submissions from 6 submitters: Uncertain significance (5). 2 of the submissions do not count toward it. Last evaluated 2025-03-29.

Conditions:
Diabetes mellitus, transient neonatal, 2 (TNDM2). Identifiers: Orphanet 99886, MedGen C1835887, MONDO:0012480, OMIM 610374. Disease mechanism: loss of function.
Type 2 diabetes mellitus. Also called: Type II diabetes mellitus. Identifiers: MedGen C0011860, MeSH D003924, MONDO:0005148, OMIM 125853, HP:0005978.
Diabetes mellitus, permanent neonatal 3. Also called: ABCC8-Related Permanent Neonatal Diabetes Mellitus. Identifiers: MedGen C5394303, MONDO:0030088, OMIM 618857.
Hyperinsulinemic hypoglycemia, familial, 1 (HHF1). Also called: HYPERINSULINISM, FAMILIAL, WITH PANCREATIC NESIDIOBLASTOSIS; HYPOGLYCEMIA, HYPERINSULINEMIC, OF INFANCY; Persistent hyperinsulinemic hypoglycemia of infancy; Persistent Hyperinsulinemia Hypoglycemia of Infancy; NESIDIOBLASTOSIS OF PANCREAS. Identifiers: Orphanet 276575, Orphanet 276598, MedGen C2931832, MONDO:0009734, OMIM 256450.
Leucine-induced hypoglycemia (LIH). Also called: LEUCINE-SENSITIVE HYPOGLYCEMIA OF INFANCY. Identifiers: MedGen C0271714, MONDO:0009415, OMIM 240800.
ABCC8-related disorder.
Transitory neonatal diabetes mellitus. Also called: Transient neonatal diabetes mellitus. Identifiers: MedGen C0342273, MONDO:0020525, HP:0008255.
Maturity-onset diabetes of the young (MODY). Also called: Maturity onset diabetes mellitus in young. Identifiers: Orphanet 552, MedGen C0342276, MONDO:0018911, HP:0004904.
Hereditary hyperinsulinism.

Allele frequency attached by ClinVar (database versions not stated): ExAC 0.00003; gnomAD 0.00003; TOPMed 0.00003; gnomAD exomes 0.00004 and 0.00005.
gnomAD v4.1: 80 of 1,614,006 alleles (0.005%); highest among the groups gnomAD compares: Admixed American, 0.0083%; no homozygotes.

Submissions (7):

Labcorp Genetics (formerly Invitae), Labcorp
Classification: Uncertain significance. Last evaluated: 2025-03-29. Review status: criteria provided, single submitter. Criteria: Invitae Variant Classification Sherloc (09022015). Collection method: clinical testing. Allele origin: germline.
Comment: This sequence change replaces arginine, which is basic and polar, with glutamine, which is neutral and polar, at codon 1103 of the ABCC8 protein (p.Arg1103Gln). This variant is present in population databases (rs765913448, gnomAD 0.01%). This missense change has been observed in individual(s) with clinical features of ABCC8-related conditions (PMID: 35333605). ClinVar contains an entry for this variant (Variation ID: 990392). Invitae Evidence Modeling of protein sequence and biophysical properties (such as structural, functional, and spatial information, amino acid conservation, physicochemical variation, residue mobility, and thermodynamic stability) indicates that this missense variant is not expected to disrupt ABCC8 protein function with a negative predictive value of 95%. In summary, the available evidence is currently insufficient to determine the role of this variant in disease. Therefore, it has been classified as a Variant of Uncertain Significance.

Fulgent Genetics
Classification: Uncertain significance for Type 2 diabetes mellitus; Leucine-induced hypoglycemia; Hyperinsulinemic hypoglycemia, familial, 1; Diabetes mellitus, transient neonatal, 2; Diabetes mellitus, permanent neonatal 3. Last evaluated: 2024-03-27. Review status: criteria provided, single submitter. Criteria: ACMG Guidelines, 2015. Collection method: clinical testing. Allele origin: germline.

GeneDx
Classification: Uncertain significance. Last evaluated: 2019-03-25. Review status: criteria provided, single submitter. Criteria: GeneDx Variant Classification Process June 2021. Collection method: clinical testing. Allele origin: germline. Affected: yes.
Comment: In silico analysis, which includes protein predictors and evolutionary conservation, supports that this variant does not alter protein structure/function; Has not been previously published as pathogenic or benign to our knowledge

Clinical Genomics, Uppaluri K&H Personalized Medicine Clinic
Classification: Uncertain significance for Maturity-onset diabetes of the young. Review status: criteria provided, single submitter. Criteria: K & H Uppaluri Personalized Medicine Clinic Variant Classification & Assertion Criteria_Updated V.1. Collection method: research. Allele origin: somatic. Inheritance: Somatic mutation.
Comment: Mutations in ABCC8 gene are associated with both neonatal diabetes mellitus as well as MODY. Patients with this mutation may have a better response to sulfonylureas. However, no sufficient evidence is found to ascertain the role of this particular variant (rs765913448) in MODY yet.

Clinical Genomics, Uppaluri K&H Personalized Medicine Clinic
Classification: Uncertain significance for Transitory neonatal diabetes mellitus. Review status: criteria provided, single submitter. Criteria: K & H Uppaluri Personalized Medicine Clinic Variant Classification & Assertion Criteria_Updated V.1. Collection method: research. Allele origin: somatic. Inheritance: Somatic mutation.
Comment: Mutations in ABCC8 gene are associated with both neonatal diabetes mellitus as well as MODY. Patients with this mutation may have a better response to sulfonylureas. However, no sufficient evidence is found to ascertain the role of this particular variant (rs765913448) in neonatal diabetes yet.

PreventionGenetics, part of Exact Sciences
Classification: Uncertain significance for ABCC8-related condition. Last evaluated: 2024-07-30. Review status: no assertion criteria provided. Collection method: clinical testing. Allele origin: germline. Not counted in ClinVar's aggregate classification.
Comment: The ABCC8 c.3308G>A variant is predicted to result in the amino acid substitution p.Arg1103Gln. This variant has been reported in a single individual with suspected maturity onset diabetes of the young (MODY) (see patient DAH44 in Table 5, Aydogan et al. 2022. PubMed ID: 35333605). However, this patient was also found to have two additional missense variants in the CEL gene (p.Gly157Arg and p.Ile336Thr), and the relative potential contribution of each variant to the patient's phenotype is unclear. This variant is reported in 0.011% of alleles in individuals of Latino descent in gnomAD. At this time, the clinical significance of this variant is uncertain due to the absence of conclusive functional and genetic evidence.

Natera, Inc.
Classification: Uncertain significance for Hereditary hyperinsulinism. Last evaluated: 2020-04-10. Review status: no assertion criteria provided. Collection method: clinical testing. Allele origin: germline. Not counted in ClinVar's aggregate classification.

Literature cited by the submitters: PubMed 35333605 (cited by Labcorp Genetics (formerly Invitae), Labcorp); PubMed 16885549 (cited by Clinical Genomics, Uppaluri K&H Personalized Medicine Clinic); PubMed 21989597 (cited by Clinical Genomics, Uppaluri K&H Personalized Medicine Clinic); PubMed 27538677 (cited by Clinical Genomics, Uppaluri K&H Personalized Medicine Clinic); PubMed 18981553 (cited by Clinical Genomics, Uppaluri K&H Personalized Medicine Clinic); PubMed 32027066 (cited by Clinical Genomics, Uppaluri K&H Personalized Medicine Clinic); PubMed 16613899 (cited by Clinical Genomics, Uppaluri K&H Personalized Medicine Clinic); PubMed 18025408 (cited by Clinical Genomics, Uppaluri K&H Personalized Medicine Clinic); PubMed 32792356 (cited by Clinical Genomics, Uppaluri K&H Personalized Medicine Clinic).

NM_000352.6(ABCC8):c.3308G>A (p.Arg1103Gln)

Gene: ABCC8 (ATP binding cassette subfamily C member 8; minus strand). Cytogenetic location: 11p15.1.
Variant type: single nucleotide variant.
Coding change: c.3308G>A on transcript NM_000352.6 (MANE Select); coding-DNA position 3308, G replaced by A.
Protein change: p.Arg1103Gln; replaces arginine 1103 with glutamine.
Molecular consequence: missense variant. On other transcripts: non-coding transcript variant (1).
Genome position (GRCh38, 1-based): chr11:17,406,643, C>T on the plus strand (G>A on the coding strand, the complement: ABCC8 is on the minus strand). VCF-style: chr11-17406643-C-T. GRCh37 (hg19) VCF-style: chr11-17428190-C-T.
Other names: c.3311G>A, p.Arg1104Gln (NM_001287174.3); c.3374G>A, p.Arg1125Gln (NM_001351295.2); c.3308G>A, p.Arg1103Gln (NM_001351296.2); c.3305G>A, p.Arg1102Gln (NM_001351297.2); c.3308G>A (NM_000352.4, NM_000352.3); short protein forms R1102Q, R1103Q, R1104Q, R1125Q.
Identifiers: ClinVar variation 990392 (VCV000990392.8), dbSNP rs765913448, ClinGen allele CA5902871.